The following is an entry in ClinVar:

ClinVar aggregate classification (germline): Uncertain significance (1 of 4 stars; one submission).

Submission:

GeneDx
Classification: Uncertain significance. Last evaluated: 2023-01-30. Review status: criteria provided, single submitter. Criteria: GeneDx Variant Classification Process June 2021. Collection method: clinical testing. Allele origin: germline. Affected: yes.
Comment: Frameshift variant predicted to result in protein truncation or nonsense mediated decay in a gene or region of a gene for which loss of function is not a well-established mechanism of disease; Not observed at significant frequency in large population cohorts (gnomAD); Has not been previously published as pathogenic or benign to our knowledge

NM_033118.4(MYLK2):c.166del (p.Ala56fs)

Gene: MYLK2 (myosin light chain kinase 2; plus strand). Cytogenetic location: 20q11.21.
Variant type: Deletion.
Coding change: c.166del on transcript NM_033118.4 (MANE Select); coding-DNA position 166, one base deleted (G; older notation c.166delG).
Protein change: p.Ala56fs; shifts the reading frame from alanine 56.
Molecular consequence: frameshift variant.
Genome position (GRCh38, 1-based): chr20:31,820,239, G deleted. VCF-style (leftmost placement, unchanged base first): chr20-31820238-AG-A. GRCh37 (hg19) VCF-style: chr20-30408041-AG-A.
Other names: c.166delG, p.Ala56Profs (NM_033118.3); short protein forms A56fs.
Identifiers: ClinVar variation 2574527 (VCV002574527.1), dbSNP rs2515451076, ClinGen allele CA2580615008.